The following is an entry in ClinVar:

ClinVar aggregate classification (germline): Likely benign. Review status: criteria provided, multiple submitters, no conflicts (2 of 4 stars). 3 submissions from 3 submitters: Likely benign (3). Last evaluated 2024-03-10.

Conditions:
RYR1-related disorder. Also called: RYR1-related condition; RYR1-related disorders. Identifiers: MedGen CN239331.
Malignant hyperthermia, susceptibility to, 1 (MHS1). Also called: Anesthesia related hyperthermia; Malignant hyperpyrexia; Fulminating hyperpyrexia; Pharmacogenic myopathy; RYR1-Related Malignant Hyperthermia Susceptibility; Malignant hyperthermia suceptibility 1. Identifiers: Orphanet 423, MedGen C2930980, MONDO:0007783, OMIM 145600.

Allele frequency attached by ClinVar (database versions not stated): gnomAD exomes below 0.00001; gnomAD 0.00001.
gnomAD v4.1: 6 of 1,613,926 alleles (0.00037%); highest among the groups gnomAD compares: East Asian, 0.0045%; no homozygotes.

Submissions (3):

Labcorp Genetics (formerly Invitae), Labcorp
Classification: Likely benign for RYR1-related disorder. Last evaluated: 2024-03-10. Review status: criteria provided, single submitter. Criteria: Invitae Variant Classification Sherloc (09022015). Collection method: clinical testing. Allele origin: germline.

All of Us Research Program, National Institutes of Health
Classification: Likely benign for Malignant hyperthermia, susceptibility to, 1. Last evaluated: 2023-06-26. Review status: criteria provided, single submitter. Criteria: ACMG Guidelines, 2015. Collection method: clinical testing. Allele origin: germline. Inheritance: Autosomal dominant inheritance. Observed: 1 variant allele, 1 heterozygote.
Comment: This study involves interpretation of variants in research participants for the purpose of population health screening. Participant phenotype was not available at the time of variant classification. Additional details can be found in publication PMID: 35346344, PMCID: PMC8962531

Color Diagnostics, LLC DBA Color Health
Classification: Likely benign for Malignant hyperthermia, susceptibility to, 1. Last evaluated: 2023-06-16. Review status: criteria provided, single submitter. Criteria: ACMG Guidelines, 2015. Collection method: clinical testing. Allele origin: germline.

NM_000540.3(RYR1):c.10938-8C>T

Gene: RYR1 (ryanodine receptor 1; plus strand). Cytogenetic location: 19q13.2.
Variant type: single nucleotide variant.
Coding change: c.10938-8C>T on transcript NM_000540.3 (MANE Select); 8 bases into the intron before coding-DNA position 10938, C replaced by T.
Molecular consequence: intron variant.
Genome position (GRCh38, 1-based): chr19:38,528,591, C>T. VCF-style: chr19-38528591-C-T. GRCh37 (hg19) VCF-style: chr19-39019231-C-T.
Other names: c.10923-8C>T (NM_001042723.2).
Identifiers: ClinVar variation 1115539 (VCV001115539.10), dbSNP rs1314510894, ClinGen allele CA633066710.